The following is an entry in ClinVar:

NM_006073.4(TRDN):c.2002A>C (p.Lys668Gln)

Gene: TRDN (triadin; minus strand). Cytogenetic location: 6q22.31.
Variant type: single nucleotide variant.
Coding change: c.2002A>C on transcript NM_006073.4 (MANE Select); coding-DNA position 2002, A replaced by C.
Protein change: p.Lys668Gln; replaces lysine 668 with glutamine.
Molecular consequence: missense variant.
Genome position (GRCh38, 1-based): chr6:123,224,105, T>G on the plus strand (A>C on the coding strand, the complement: TRDN is on the minus strand). VCF-style: chr6-123224105-T-G. GRCh37 (hg19) VCF-style: chr6-123545250-T-G.
Other names: short protein forms K668Q.
Identifiers: ClinVar variation 2495293 (VCV002495293.3), dbSNP rs779664510, ClinGen allele CA3983644.

ClinVar aggregate classification (germline): Uncertain significance (1 of 4 stars; one submission).

Conditions:
Cardiovascular phenotype. Identifiers: MedGen CN230736.

Allele frequency attached by ClinVar (database versions not stated): ExAC 0.00001.
gnomAD v4.1: 6 of 1,610,710 alleles (0.00037%); highest among the groups gnomAD compares: South Asian, 0.0066%; no homozygotes.

Submission:

Ambry Genetics
Classification: Uncertain significance for Cardiovascular phenotype. Last evaluated: 2024-04-28. Review status: criteria provided, single submitter. Criteria: Ambry Variant Classification Scheme 2023. Collection method: clinical testing. Allele origin: germline.
Comment: The p.K668Q variant (also known as c.2002A>C), located in coding exon 39 of the TRDN gene, results from an A to C substitution at nucleotide position 2002. The lysine at codon 668 is replaced by glutamine, an amino acid with similar properties. This amino acid position is conserved. In addition, this alteration is predicted to be tolerated by in silico analysis. Based on the available evidence, the clinical significance of this variant remains unclear.